The following is an entry in ClinVar:

NM_001035.3(RYR2):c.13783-6_13783-5delinsGC

Gene: RYR2 (ryanodine receptor 2; plus strand). Cytogenetic location: 1q43.
Variant type: Indel.
Coding change: c.13783-6_13783-5delinsGC on transcript NM_001035.3 (MANE Select); 6 bases into the intron before coding-DNA position 13783 through 5 bases into the intron before coding-DNA position 13783, AT replaced by GC.
Molecular consequence: intron variant.
Genome position (GRCh38, 1-based): chr1:237,793,861-237,793,862, AT replaced by GC. VCF-style: chr1-237793861-AT-GC. GRCh37 (hg19) VCF-style: chr1-237957161-AT-GC.
Identifiers: ClinVar variation 2186812 (VCV002186812.4), dbSNP rs2527948772, ClinGen allele CA2580062439.

ClinVar aggregate classification (germline): Uncertain significance (1 of 4 stars; one submission).

Conditions:
Catecholaminergic polymorphic ventricular tachycardia 1. Also called: VENTRICULAR TACHYCARDIA, CATECHOLAMINERGIC POLYMORPHIC, 1, WITH OR WITHOUT ATRIAL DYSFUNCTION AND/OR DILATED CARDIOMYOPATHY; RYR2-Related Catecholaminergic Polymorphic Ventricular Tachycardia; VENTRICULAR TACHYCARDIA, STRESS-INDUCED POLYMORPHIC 1. Identifiers: Orphanet 3286, MedGen C1631597, MONDO:0011484, OMIM 604772.

Submission:

Labcorp Genetics (formerly Invitae), Labcorp
Classification: Uncertain significance for Catecholaminergic polymorphic ventricular tachycardia 1. Last evaluated: 2022-03-10. Review status: criteria provided, single submitter. Criteria: Invitae Variant Classification Sherloc (09022015). Collection method: clinical testing. Allele origin: germline.
Comment: In summary, the available evidence is currently insufficient to determine the role of this variant in disease. Therefore, it has been classified as a Variant of Uncertain Significance. Experimental studies and prediction algorithms are not available or were not evaluated, and the effect of this variant on mRNA splicing is currently unknown. This variant has not been reported in the literature in individuals affected with RYR2-related conditions. Information on the frequency of this variant in the gnomAD database is not available, as this variant may be reported differently in the database. This sequence change falls in intron 94 of the RYR2 gene. It does not directly change the encoded amino acid sequence of the RYR2 protein.